The following is an entry in ClinVar:

ClinVar aggregate classification (germline): Likely benign (1 of 4 stars; one submission).

Submission:

GeneDx
Classification: Likely benign. Last evaluated: 2016-08-31. Review status: criteria provided, single submitter. Criteria: GeneDx Variant Classification (06012015). Collection method: clinical testing. Allele origin: germline. Affected: yes.
Comment: This variant is considered likely benign or benign based on one or more of the following criteria: it is a conservative change, it occurs at a poorly conserved position in the protein, it is predicted to be benign by multiple in silico algorithms, and/or has population frequency not consistent with disease.

NM_153033.5(KCTD7):c.-45G>A

Genes: KCTD7 (potassium channel tetramerization domain containing 7; plus strand), LOC129998533 (ATAC-STARR-seq lymphoblastoid silent region 18210; plus strand). Cytogenetic location: 7q11.21.
Variant type: single nucleotide variant.
Coding change: c.-45G>A on transcript NM_153033.5 (MANE Select); 45 bases upstream of the start codon, G replaced by A.
Molecular consequence: 5 prime UTR variant.
Genome position (GRCh38, 1-based): chr7:66,629,020, G>A. VCF-style: chr7-66629020-G-A. GRCh37 (hg19) VCF-style: chr7-66094007-G-A.
Other names: c.-45G>A (NM_001167961.2).
Identifiers: ClinVar variation 388866 (VCV000388866.1), dbSNP rs1057523255, ClinGen allele CA16605375.